The following is an entry in ClinVar:

NM_004130.4(GYG1):c.114C>T (p.Leu38=)

Gene: GYG1 (glycogenin 1; plus strand). Cytogenetic location: 3q24.
Variant type: single nucleotide variant.
Coding change: c.114C>T on transcript NM_004130.4 (MANE Select); coding-DNA position 114, C replaced by T.
Protein change: p.Leu38=; no amino-acid change (leucine 38 retained).
Molecular consequence: synonymous variant.
Genome position (GRCh38, 1-based): chr3:148,994,248, C>T. VCF-style: chr3-148994248-C-T. GRCh37 (hg19) VCF-style: chr3-148712035-C-T.
Other names: c.114C>T, p.Leu38= (NM_001184720.2, NM_001184721.2).
Identifiers: ClinVar variation 381418 (VCV000381418.14), dbSNP rs61733452, ClinGen allele CA2658458.
Genomic context (GRCh38, chr3:148,994,248, plus strand): 5'-TGCCCTGGTCCTGGGATCATCTCTGAAACAGCACAGGACCACCAGGAGGCTGGTCGTGCT[C>T]GCCACCCCTCAGGTCTCAGACTCCATGAGGTGAGGACCTCGCTGCCACCCCAGCATCCAA-3'
Protein context (NP_004121.2, residues 28-48): QHRTTRRLVV[Leu38=]ATPQVSDSMR

ClinVar aggregate classification (germline): Benign. Review status: criteria provided, multiple submitters, no conflicts (2 of 4 stars). 4 submissions from 4 submitters: Benign (3). 1 of the submissions does not count toward it. Last evaluated 2026-01-28.

Conditions:
Glycogen storage disease XV (GSD15). Also called: GLYCOGENIN DEFICIENCY; GSD XV. Identifiers: Orphanet 263297, MedGen C3150754, MONDO:0013291, OMIM 613507.
Polyglucosan body myopathy type 2. Identifiers: Orphanet 456369, MedGen C4015452, MONDO:0014526, OMIM 616199.

Allele frequency attached by ClinVar (database versions not stated): gnomAD exomes 0.00371 and 0.00983; ExAC 0.01212; 1000 Genomes Project 0.03614; gnomAD 0.03739 and 0.04021; 1000 Genomes Project 30x 0.03904; TOPMed 0.04107; ESP Exome Variant Server 0.04659.
gnomAD v4.1: 11,302 of 1,613,992 alleles (0.7%); highest among the groups gnomAD compares: African/African-American, 13%; 714 homozygotes.

Submissions (4):

Labcorp Genetics (formerly Invitae), Labcorp
Classification: Benign for Polyglucosan body myopathy type 2; Glycogen storage disease XV. Last evaluated: 2026-01-28. Review status: criteria provided, single submitter. Criteria: Invitae Variant Classification Sherloc (09022015). Collection method: clinical testing. Allele origin: germline.

GeneDx
Classification: Benign. Last evaluated: 2016-03-08. Review status: criteria provided, single submitter. Criteria: GeneDx Variant Classification (06012015). Collection method: clinical testing. Allele origin: germline. Affected: yes.
Comment: This variant is considered likely benign or benign based on one or more of the following criteria: it is a conservative change, it occurs at a poorly conserved position in the protein, it is predicted to be benign by multiple in silico algorithms, and/or has population frequency not consistent with disease.

Breakthrough Genomics
Classification: Benign. Review status: criteria provided, single submitter. Criteria: ACMG Guidelines, 2015. Collection method: not provided. Allele origin: germline. Inheritance: Autosomal recessive inheritance. Affected: yes.

Mayo Clinic Laboratories, Mayo Clinic
Classification: Benign. Last evaluated: 2017-03-14. Review status: no assertion criteria provided. Collection method: clinical testing. Allele origin: unknown. Not counted in ClinVar's aggregate classification.